The following is an entry in ClinVar:

NM_001273.5(CHD4):c.108_110del (p.Glu37del)

Gene: CHD4 (chromodomain helicase DNA binding protein 4; minus strand). Cytogenetic location: 12p13.31.
Variant type: Deletion.
Coding change: c.108_110del on transcript NM_001273.5 (MANE Select); coding-DNA positions 108 to 110, 3 bases deleted (AGA; older notation c.108_110delAGA).
Protein change: p.Glu37del; deletes glutamic acid 37.
Genome position (GRCh38, 1-based): chr12:6,602,488-6,602,490, TCT deleted on the plus strand (AGA on the coding strand, the reverse complement: CHD4 is on the minus strand); deleting any 3 consecutive bases within chr12:6,602,488-6,602,492 gives the same sequence; the c. name uses the placement nearest the transcript's 3' end. VCF-style (leftmost placement, unchanged base first): chr12-6602487-CTCT-C. GRCh37 (hg19) VCF-style: chr12-6711653-CTCT-C.
Other names: c.108_110del, p.Glu37del (NM_001297553.2, NM_001363606.2); short protein forms E37del.
Identifiers: ClinVar variation 4687076 (VCV004687076.1).
Genomic context (GRCh38, chr12:6,602,487, plus strand): 5'-AGGCTTTTTCTTCTTCTTGAGCTTTGGAGTCTCTGTTTCTGACAAATCCTCTTCTGGGTC[CTCT>C]TCATTTTCTACATATATTTGGCAAAGAGTGGTAGGCAGGGAAAAGATCAATAGCAAAAGG-3'

ClinVar aggregate classification (germline): Uncertain significance (1 of 4 stars; one submission).

Submission:

GeneDx
Classification: Uncertain significance. Last evaluated: 2025-07-24. Review status: criteria provided, single submitter. Criteria: GeneDx Variant Classification Process June 2021. Collection method: clinical testing. Allele origin: germline. Affected: yes.
Comment: In-frame deletion of 1 amino acid(s) in a non-repeat region; Not observed at significant frequency in large population cohorts (gnomAD); In silico analysis supports a deleterious effect on protein structure/function; In silico analysis is inconclusive as to whether the variant alters gene splicing. In the absence of RNA/functional studies, the actual effect of this sequence change is unknown.; Has not been previously published as pathogenic or benign to our knowledge